The following is an entry in ClinVar:

NM_025144.4(ALPK1):c.398G>A (p.Gly133Asp)

Gene: ALPK1 (alpha kinase 1; plus strand). Cytogenetic location: 4q25.
Variant type: single nucleotide variant.
Coding change: c.398G>A on transcript NM_025144.4 (MANE Select); coding-DNA position 398, G replaced by A.
Protein change: p.Gly133Asp; replaces glycine 133 with aspartic acid.
Molecular consequence: missense variant.
Genome position (GRCh38, 1-based): chr4:112,411,948, G>A. VCF-style: chr4-112411948-G-A. GRCh37 (hg19) VCF-style: chr4-113333104-G-A.
Other names: c.398G>A (NM_025144.3); c.398G>A, p.Gly133Asp (NM_001102406.2); c.164G>A, p.Gly55Asp (NM_001253884.2); short protein forms G55D, G133D.
Identifiers: ClinVar variation 2889720 (VCV002889720.4), dbSNP rs776648904, ClinGen allele CA3046356.

ClinVar aggregate classification (germline): Uncertain significance. Review status: criteria provided, multiple submitters, no conflicts (2 of 4 stars). 2 submissions from 2 submitters: Uncertain significance (2). Last evaluated 2025-12-04.

Conditions:
Inborn genetic diseases. Identifiers: MedGen C0950123, MeSH D030342.

Allele frequency attached by ClinVar (database versions not stated): ExAC 0.00001; gnomAD 0.00001; gnomAD exomes 0.00002.
gnomAD v4.1: 12 of 1,614,022 alleles (0.00074%); highest among the groups gnomAD compares: Admixed American, 0.018%; no homozygotes.

Submissions (2):

Ambry Genetics
Classification: Uncertain significance for Inborn genetic diseases. Last evaluated: 2025-12-04. Review status: criteria provided, single submitter. Criteria: Ambry Variant Classification Scheme 2023. Collection method: clinical testing. Allele origin: germline.

Labcorp Genetics (formerly Invitae), Labcorp
Classification: Uncertain significance. Last evaluated: 2024-10-08. Review status: criteria provided, single submitter. Criteria: Invitae Variant Classification Sherloc (09022015). Collection method: clinical testing. Allele origin: germline.
Comment: This sequence change replaces glycine, which is neutral and non-polar, with aspartic acid, which is acidic and polar, at codon 133 of the ALPK1 protein (p.Gly133Asp). This variant is present in population databases (rs776648904, gnomAD 0.03%). This variant has not been reported in the literature in individuals affected with ALPK1-related conditions. Invitae Evidence Modeling of protein sequence and biophysical properties (such as structural, functional, and spatial information, amino acid conservation, physicochemical variation, residue mobility, and thermodynamic stability) indicates that this missense variant is expected to disrupt ALPK1 protein function with a positive predictive value of 80%. In summary, the available evidence is currently insufficient to determine the role of this variant in disease. Therefore, it has been classified as a Variant of Uncertain Significance.